The following is an entry in ClinVar:

NM_001099922.3(ALG13):c.2933-214C>T

Gene: ALG13 (ALG13 UDP-N-acetylglucosaminyltransferase subunit; plus strand). Cytogenetic location: Xq23.
Variant type: single nucleotide variant.
Coding change: c.2933-214C>T on transcript NM_001099922.3 (MANE Select); 214 bases into the intron before coding-DNA position 2933, C replaced by T.
Molecular consequence: intron variant.
Genome position (GRCh38, 1-based): chrX:111,752,576, C>T. VCF-style: chrX-111752576-C-T. GRCh37 (hg19) VCF-style: chrX-110995804-C-T.
Other names: c.2384-214C>T (NM_001257237.2, NM_001257234.2, NM_001257230.2); c.2210-214C>T (NM_001324293.1); c.2699-214C>T (NM_001257231.2); c.2696-214C>T (NM_001324292.2).
Identifiers: ClinVar variation 677765 (VCV000677765.1), dbSNP rs57867104, ClinGen allele CA334446407.

ClinVar aggregate classification (germline): Likely benign (1 of 4 stars; one submission).

Allele frequency attached by ClinVar (database versions not stated): gnomAD 0.01454 and 0.01525; TOPMed 0.01677; 1000 Genomes Project 0.01748; 1000 Genomes Project 30x 0.01873.
gnomAD v4.1: 1,578 of 109,783 alleles (1.4%); highest among the groups gnomAD compares: African/African-American, 5%; 22 homozygotes.

Submission:

GeneDx
Classification: Likely benign. Last evaluated: 2018-06-18. Review status: criteria provided, single submitter. Criteria: GeneDx Variant Classification (06012015). Collection method: clinical testing. Allele origin: germline. Affected: yes.
Comment: This variant is considered likely benign or benign based on one or more of the following criteria: it is a conservative change, it occurs at a poorly conserved position in the protein, it is predicted to be benign by multiple in silico algorithms, and/or has population frequency not consistent with disease.